The following is an entry in ClinVar:

NM_138694.4(PKHD1):c.9830-6T>A

Gene: PKHD1 (PKHD1 ciliary IPT domain containing fibrocystin/polyductin; minus strand). Cytogenetic location: 6p12.3.
Variant type: single nucleotide variant.
Coding change: c.9830-6T>A on transcript NM_138694.4 (MANE Select); 6 bases into the intron before coding-DNA position 9830, T replaced by A.
Molecular consequence: intron variant.
Genome position (GRCh38, 1-based): chr6:51,746,895, A>T on the plus strand (T>A on the coding strand, the complement: PKHD1 is on the minus strand). VCF-style: chr6-51746895-A-T. GRCh37 (hg19) VCF-style: chr6-51611693-A-T.
Other names: c.9830-6T>A (NM_170724.3).
Identifiers: ClinVar variation 3731290 (VCV003731290.1).

ClinVar aggregate classification (germline): Uncertain significance (1 of 4 stars; one submission).

Conditions:
Polycystic kidney disease 4 (PKD4). Also called: POLYCYSTIC KIDNEY DISEASE 4 WITH OR WITHOUT POLYCYSTIC LIVER DISEASE; POLYCYSTIC KIDNEY AND HEPATIC DISEASE 1; POLYCYSTIC KIDNEY DISEASE, INFANTILE, TYPE I; PKD3; Autosomal Recessive Polycystic Kidney Disease – PKHD1. Identifiers: MedGen C4540575, MONDO:0033004, OMIM 263200.

Submission:

Neuberg Centre For Genomic Medicine, NCGM
Classification: Uncertain significance for Polycystic kidney disease 4. Last evaluated: 2023-06-22. Review status: criteria provided, single submitter. Criteria: ACMG Guidelines, 2015. Collection method: clinical testing. Allele origin: germline. Inheritance: Autosomal recessive inheritance. Affected: yes.
Comment: The splice region c.9830-6T>A variant in PKHD1 gene has not been reported previously as a pathogenic variant nor as a benign variant, to our knowledge. The c.9830-6T>A variant is present with allele frequency of 0.0004% in gnomAD Exomes. This variant has not been reported to the ClinVar database. SpliceAI predicts this variant to cause acceptor loss (0.44) and splice acceptor gain (0.23). For these reasons, this variant has been classified as a Variant of Uncertain Significance (VUS).